The following is an entry in ClinVar:

ClinVar aggregate classification (germline): Uncertain significance (1 of 4 stars; one submission).

Conditions:
ZBTB20-related disorder. Also called: ZBTB20-related condition.

gnomAD v4.1: 1 of 1,613,758 alleles (0.000062%); highest among the groups gnomAD compares: Non-Finnish European, 0.000085%; no homozygotes.

Submission:

PreventionGenetics, part of Exact Sciences
Classification: Uncertain significance for ZBTB20-related condition. Last evaluated: 2025-01-02. Review status: criteria provided, single submitter. Criteria: ACMG Guidelines, 2015. Collection method: clinical testing. Allele origin: germline.
Comment: The ZBTB20 c.622G>A variant is predicted to result in the amino acid substitution p.Gly208Ser. To our knowledge, this variant has not been reported in the literature or in a large population database (gnomAD), indicating this variant is rare. At this time, the clinical significance of this variant is uncertain due to the absence of conclusive functional and genetic evidence.

NM_001348800.3(ZBTB20):c.622G>A (p.Gly208Ser)

Gene: ZBTB20 (zinc finger and BTB domain containing 20; minus strand). Cytogenetic location: 3q13.31.
Variant type: single nucleotide variant.
Coding change: c.622G>A on transcript NM_001348800.3 (MANE Select); coding-DNA position 622, G replaced by A.
Protein change: p.Gly208Ser; replaces glycine 208 with serine.
Molecular consequence: missense variant.
Genome position (GRCh38, 1-based): chr3:114,351,456, C>T on the plus strand (G>A on the coding strand, the complement: ZBTB20 is on the minus strand). VCF-style: chr3-114351456-C-T. GRCh37 (hg19) VCF-style: chr3-114070303-C-T.
Other names: c.622G>A, p.Gly208Ser (NM_001164342.2, NM_001348803.3, NM_001393393.1 and 1 more transcripts); c.403G>A, p.Gly135Ser (NM_001164343.2, NM_001164344.4, NM_001164345.4 and 9 more transcripts); short protein forms G135S, G208S.
Identifiers: ClinVar variation 4985221 (VCV004985221.1).
Genomic context (GRCh38, chr3:114,351,456, plus strand): 5'-CCGTGTCGCTGCTCTGGCCTGACGTGCCTGACTCGGGAGTGCCCCGCGGCGTGTCCTGGC[C>T]CGAGTCCTGGATCCCCGGGAACACATCGCCCACGTTCTGTGACACGATGCGCGTGCACTC-3'
Protein context (NP_001335729.1, residues 198-218): GDVFPGIQDS[Gly208Ser]QDTPRGTPES